The following is an entry in ClinVar:

ClinVar aggregate classification (germline): Pathogenic. Review status: criteria provided, multiple submitters, no conflicts (2 of 4 stars). 2 submissions from 2 submitters: Pathogenic (2). Last evaluated 2024-11-07.

Conditions:
MYO5B-related disorder. Also called: MYO5B-related condition.

Allele frequency attached by ClinVar (database versions not stated): gnomAD exomes below 0.00001; ExAC 0.00001.
gnomAD v4.1: 1 of 1,610,420 alleles (0.000062%); no homozygotes.

Submissions (2):

PreventionGenetics, part of Exact Sciences
Classification: Pathogenic for MYO5B-related condition. Last evaluated: 2024-11-07. Review status: criteria provided, single submitter. Criteria: ACMG Guidelines, 2015. Collection method: clinical testing. Allele origin: germline.
Comment: The MYO5B c.3823C>T variant is predicted to result in premature protein termination (p.Arg1275*). To our knowledge, this variant has not been reported in the literature. This variant is reported in 0.0044% of alleles in individuals of European (Finnish) descent in gnomAD. Nonsense variants in MYO5B are expected to be pathogenic. This variant is interpreted as pathogenic.

Labcorp Genetics (formerly Invitae), Labcorp
Classification: Pathogenic. Last evaluated: 2022-05-10. Review status: criteria provided, single submitter. Criteria: Invitae Variant Classification Sherloc (09022015). Collection method: clinical testing. Allele origin: germline.
Comment: This variant is present in population databases (rs760030699, gnomAD 0.004%). This sequence change creates a premature translational stop signal (p.Arg1275*) in the MYO5B gene. It is expected to result in an absent or disrupted protein product. Loss-of-function variants in MYO5B are known to be pathogenic (PMID: 18724368, 20186687). This variant has not been reported in the literature in individuals affected with MYO5B-related conditions. For these reasons, this variant has been classified as Pathogenic.

Literature cited by the submitters: PubMed 18724368 (cited by Labcorp Genetics (formerly Invitae), Labcorp); PubMed 20186687 (cited by Labcorp Genetics (formerly Invitae), Labcorp).

NM_001080467.3(MYO5B):c.3823C>T (p.Arg1275Ter)

Gene: MYO5B (myosin VB; minus strand). Cytogenetic location: 18q21.1.
Variant type: single nucleotide variant.
Coding change: c.3823C>T on transcript NM_001080467.3 (MANE Select); coding-DNA position 3823, C replaced by T.
Protein change: p.Arg1275Ter; replaces arginine 1275 with a stop codon.
Molecular consequence: nonsense.
Genome position (GRCh38, 1-based): chr18:49,864,161, G>A on the plus strand (C>T on the coding strand, the complement: MYO5B is on the minus strand). VCF-style: chr18-49864161-G-A. GRCh37 (hg19) VCF-style: chr18-47390531-G-A.
Other names: c.3823C>T (NM_001080467.2); short protein forms R1275*.
Identifiers: ClinVar variation 1974743 (VCV001974743.6), dbSNP rs760030699, ClinGen allele CA8960584.
Genomic context (GRCh38, chr18:49,864,161, plus strand): 5'-CACCCCTCGGCAGCCCCACCGCGGGCCGCCATCTTGTTACCGCGTTCCTGCCGGCGAGTC[G>A]CCGCTGGTCGGCGCTCACGATCTGGGTCCTGAGGATGAGCACCTCCTCCTTGCGCACCTC-3'